The following is an entry in ClinVar:

NM_001082486.1(ACD):c.33G>A (p.Met11Ile)

Gene: ACD (ACD shelterin complex subunit and telomerase recruitment factor; minus strand). Cytogenetic location: 16q22.1.
Variant type: single nucleotide variant.
Coding change: c.33G>A on transcript NM_001082486.1; coding-DNA position 33, G replaced by A.
Protein change: p.Met11Ile; replaces methionine 11 with isoleucine.
Genome position (GRCh38, 1-based): chr16:67,660,446, C>T on the plus strand (G>A on the coding strand, the complement: ACD is on the minus strand). VCF-style: chr16-67660446-C-T. GRCh37 (hg19) VCF-style: chr16-67694349-C-T.
Other names: short protein forms M11I.
Identifiers: ClinVar variation 1731037 (VCV001731037.2), dbSNP rs2543613601, ClinGen allele CA396360200.

ClinVar aggregate classification (germline): Uncertain significance (1 of 4 stars; one submission).

Conditions:
Inborn genetic diseases. Identifiers: MedGen C0950123, MeSH D030342.

Submission:

Ambry Genetics
Classification: Uncertain significance for Inborn genetic diseases. Last evaluated: 2021-11-06. Review status: criteria provided, single submitter. Criteria: Ambry Variant Classification Scheme 2023. Collection method: clinical testing. Allele origin: germline.
Comment: The p.M11I variant (also known as c.33G>A), located in coding exon 1 of the ACD gene, results from a G to A substitution at nucleotide position 33. The methionine at codon 11 is replaced by isoleucine, an amino acid with highly similar properties. This amino acid position is conserved. In addition, this alteration is predicted to be tolerated by in silico analysis. Since supporting evidence is limited at this time, the clinical significance of this alteration remains unclear.